The following is an entry in ClinVar:

ClinVar aggregate classification (germline): Likely benign (1 of 4 stars; one submission).

gnomAD v4.1: 100 of 398,204 alleles (0.025%); highest among the groups gnomAD compares: Non-Finnish European, 0.039%; no homozygotes.

Submission:

CeGaT Center for Human Genetics Tuebingen
Classification: Likely benign. Last evaluated: 2025-10-01. Review status: criteria provided, single submitter. Criteria: CeGaT Center For Human Genetics Tuebingen Variant Classification Criteria Version 2. Collection method: clinical testing. Allele origin: germline. Affected: yes. Observed: 2 variant alleles.
Comment: KCNQ1OT1: BS1:Supporting, BS2

NM_000218.3(KCNQ1):c.1514+35175T>C

Genes: KCNQ1 (potassium voltage-gated channel subfamily Q member 1; plus strand), KCNQ1OT1 (KCNQ1 opposite strand/antisense transcript 1; minus strand). Cytogenetic location: 11p15.5.
Variant type: single nucleotide variant.
Coding change: c.1514+35175T>C on transcript NM_000218.3 (MANE Select); 35175 bases into the intron after coding-DNA position 1514, T replaced by C.
Molecular consequence: intron variant. On other transcripts: non-coding transcript variant (1).
Genome position (GRCh38, 1-based): chr11:2,697,256, T>C. VCF-style: chr11-2697256-T-C. GRCh37 (hg19) VCF-style: chr11-2718486-T-C.
Other names: c.1244+35175T>C (NM_001406837.1); c.1418+35175T>C (NM_001406836.1); c.974+35175T>C (NM_001406838.1); c.1133+35175T>C (NM_181798.2).
Identifiers: ClinVar variation 3389326 (VCV003389326.14).